The following is an entry in ClinVar:

ClinVar aggregate classification (germline): Uncertain significance (1 of 4 stars; one submission).

Conditions:
Singleton-Merten syndrome 1 (SGMRT1). Also called: Widened medullary cavities of bone, aortic calcification, abnormal dentition, and muscular weakness; Syndrome of widened medullary cavities of the metacarpals and phalanges, aortic calcification and abnormal dentition. Identifiers: Orphanet 85191, MedGen C4225427, MONDO:0024535, OMIM 182250.
Aicardi-Goutieres syndrome 7 (AGS7). Identifiers: Orphanet 51, MedGen C3888244, MONDO:0014367, OMIM 615846.

gnomAD v4.1: 1 of 1,606,680 alleles (0.000062%); no homozygotes.

Submission:

Labcorp Genetics (formerly Invitae), Labcorp
Classification: Uncertain significance for Aicardi-Goutieres syndrome 7; Singleton-Merten syndrome 1. Last evaluated: 2026-01-08. Review status: criteria provided, single submitter. Criteria: Invitae Variant Classification Sherloc (09022015). Collection method: clinical testing. Allele origin: germline.
Comment: This sequence change replaces serine, which is neutral and polar, with asparagine, which is neutral and polar, at codon 289 of the IFIH1 protein (p.Ser289Asn). This variant is not present in population databases (gnomAD no frequency). This variant has not been reported in the literature in individuals affected with IFIH1-related conditions. An algorithm developed to predict the effect of missense changes on protein structure and function outputs the following: PolyPhen-2: "Benign". The asparagine amino acid residue is found in multiple mammalian species, which suggests that this missense change does not adversely affect protein function. In summary, the available evidence is currently insufficient to determine the role of this variant in disease. Therefore, it has been classified as a Variant of Uncertain Significance.

NM_022168.4(IFIH1):c.866G>A (p.Ser289Asn)

Gene: IFIH1 (interferon induced with helicase C domain 1; minus strand). Cytogenetic location: 2q24.2.
Variant type: single nucleotide variant.
Coding change: c.866G>A on transcript NM_022168.4 (MANE Select); coding-DNA position 866, G replaced by A.
Protein change: p.Ser289Asn; replaces serine 289 with asparagine.
Molecular consequence: missense variant.
Genome position (GRCh38, 1-based): chr2:162,293,572, C>T on the plus strand (G>A on the coding strand, the complement: IFIH1 is on the minus strand). VCF-style: chr2-162293572-C-T. GRCh37 (hg19) VCF-style: chr2-163150082-C-T.
Other names: short protein forms S289N.
Identifiers: ClinVar variation 4789325 (VCV004789325.1).
Genomic context (GRCh38, chr2:162,293,572, plus strand): 5'-TATGGCGTCTTATTTCACACTTTTTAAGGTTTACACAACAGTTAGGCAGTACCTGAATCA[C>T]TTCCCATGGTGCCTGAATCACTGCCCATGTTGCTGTTATGTCCAAGACTTTCATCTAAGC-3'
Protein context (NP_071451.2, residues 279-299): NMGSDSGTMG[Ser289Asn]DSDEENVAAR